The following is an entry in ClinVar:

ClinVar aggregate classification (germline): Uncertain significance (1 of 4 stars; one submission).

Conditions:
Arginase deficiency. Also called: Arginase 1 Deficiency; ARGININEMIA; ARG1 DEFICIENCY. Identifiers: Orphanet 90, MedGen C0268548, MONDO:0008814, OMIM 207800.

Allele frequency attached by ClinVar (database versions not stated): ExAC 0.00002; TOPMed below 0.00001.
gnomAD v4.1: 12 of 1,613,742 alleles (0.00074%); highest among the groups gnomAD compares: Non-Finnish European, 0.00093%; no homozygotes.

Submission:

Labcorp Genetics (formerly Invitae), Labcorp
Classification: Uncertain significance for Arginase deficiency. Last evaluated: 2022-07-06. Review status: criteria provided, single submitter. Criteria: Invitae Variant Classification Sherloc (09022015). Collection method: clinical testing. Allele origin: germline.
Comment: This sequence change replaces leucine, which is neutral and non-polar, with valine, which is neutral and non-polar, at codon 216 of the ARG1 protein (p.Leu216Val). This variant is present in population databases (rs757518422, gnomAD 0.003%). This variant has not been reported in the literature in individuals affected with ARG1-related conditions. Algorithms developed to predict the effect of missense changes on protein structure and function (SIFT, PolyPhen-2, Align-GVGD) all suggest that this variant is likely to be tolerated. In summary, the available evidence is currently insufficient to determine the role of this variant in disease. Therefore, it has been classified as a Variant of Uncertain Significance.

NM_000045.4(ARG1):c.646C>G (p.Leu216Val)

Genes: ARG1 (arginase 1; plus strand), MED23 (mediator complex subunit 23; minus strand). Cytogenetic location: 6q23.2.
Variant type: single nucleotide variant.
Coding change: c.646C>G on transcript NM_000045.4 (MANE Select); coding-DNA position 646, C replaced by G.
Protein change: p.Leu216Val; replaces leucine 216 with valine.
Molecular consequence: missense variant. On other transcripts: non-coding transcript variant (1), intron variant (2).
Genome position (GRCh38, 1-based): chr6:131,583,145, C>G. VCF-style: chr6-131583145-C-G. GRCh37 (hg19) VCF-style: chr6-131904285-C-G.
Other names: c.670C>G, p.Leu224Val (NM_001244438.2); c.391C>G, p.Leu131Val (NM_001369020.1); c.4077+4564G>C (NM_001270521.2); c.4095+4564G>C (NM_015979.4); short protein forms L131V, L216V, L224V.
Identifiers: ClinVar variation 2073945 (VCV002073945.1), dbSNP rs757518422, ClinGen allele CA3999327.
Genomic context (GRCh38, chr6:131,583,145, plus strand): 5'-AAATACTTTTCAATGACTGAAGTGGACAGACTAGGAATTGGCAAGGTGATGGAAGAAACA[C>G]TCAGCTATCTACTAGGAAGGTAGGATTCTTTTGTGTGTGCACACATGTGTGTGCAACAGA-3'
Protein context (NP_000036.2, residues 206-226): LGIGKVMEET[Leu216Val]SYLLGRKKRP